The following is an entry in ClinVar:

NM_001130144.3(LTBP3):c.3118T>C (p.Cys1040Arg)

Genes: LTBP3 (latent transforming growth factor beta binding protein 3; minus strand), LOC121832793 (Sharpr-MPRA regulatory region 4001; plus strand). Cytogenetic location: 11q13.1.
Variant type: single nucleotide variant.
Coding change: c.3118T>C on transcript NM_001130144.3 (MANE Select); coding-DNA position 3118, T replaced by C.
Protein change: p.Cys1040Arg; replaces cysteine 1040 with arginine.
Molecular consequence: missense variant.
Genome position (GRCh38, 1-based): chr11:65,540,371, A>G on the plus strand (T>C on the coding strand, the complement: LTBP3 is on the minus strand). VCF-style: chr11-65540371-A-G. GRCh37 (hg19) VCF-style: chr11-65307842-A-G.
Other names: c.2767T>C, p.Cys923Arg (NM_001164266.1); c.3118T>C, p.Cys1040Arg (NM_021070.4); short protein forms C1040R, C923R.
Identifiers: ClinVar variation 4101313 (VCV004101313.1).

ClinVar aggregate classification (germline): Uncertain significance (1 of 4 stars; one submission).

Conditions:
Inborn genetic diseases. Identifiers: MedGen C0950123, MeSH D030342.

Submission:

Ambry Genetics
Classification: Uncertain significance for Inborn genetic diseases. Last evaluated: 2025-07-30. Review status: criteria provided, single submitter. Criteria: Ambry Variant Classification Scheme 2023. Collection method: clinical testing. Allele origin: germline.
Comment: The p.C1040R variant (also known as c.3118T>C), located in coding exon 23 of the LTBP3 gene, results from a T to C substitution at nucleotide position 3118. The cysteine at codon 1040 is replaced by arginine, an amino acid with highly dissimilar properties. This amino acid position is conserved. In addition, this alteration is predicted to be deleterious by in silico analysis. Based on the available evidence, the clinical significance of this variant remains unclear.